The following is an entry in ClinVar:

NM_000264.5(PTCH1):c.3103G>C (p.Val1035Leu)

Gene: PTCH1 (patched 1; minus strand). Cytogenetic location: 9q22.32.
Variant type: single nucleotide variant.
Coding change: c.3103G>C on transcript NM_000264.5 (MANE Select); coding-DNA position 3103, G replaced by C.
Protein change: p.Val1035Leu; replaces valine 1035 with leucine.
Molecular consequence: missense variant. On other transcripts: non-coding transcript variant (1).
Genome position (GRCh38, 1-based): chr9:95,458,078, C>G on the plus strand (G>C on the coding strand, the complement: PTCH1 is on the minus strand). VCF-style: chr9-95458078-C-G. GRCh37 (hg19) VCF-style: chr9-98220360-C-G.
Other names: c.2905G>C, p.Val969Leu (NM_001083602.3); c.3100G>C, p.Val1034Leu (NM_001083603.3); c.2650G>C, p.Val884Leu (NM_001083604.3, NM_001083605.3, NM_001083606.3 and 1 more transcripts); c.2947G>C, p.Val983Leu (NM_001354918.2); short protein forms V1034L, V884L, V969L, V983L, V1035L.
Identifiers: ClinVar variation 1727667 (VCV001727667.2), dbSNP rs1839103824, ClinGen allele CA374112384.
Genomic context (GRCh38, chr9:95,458,078, plus strand): 5'-TCCCGGCCGTCCAGGGGTTCAGAAGGAAGACAGCGCACACGAGGAATGTGCAGGCCAACA[C>G]CACGCTGATGAACAGCAGCAGCCAGTGGCGGAGGCCGATGTACTGCTCCCAGAAGAGGAA-3'
Protein context (NP_000255.2, residues 1025-1045): RHWLLLFISV[Val1035Leu]LACTFLVCAV

ClinVar aggregate classification (germline): Uncertain significance (1 of 4 stars; one submission).

Conditions:
Hereditary cancer-predisposing syndrome. Also called: Tumor predisposition; Neoplastic Syndromes, Hereditary; Hereditary Cancer Syndrome; Hereditary neoplastic syndrome. Identifiers: Orphanet 140162, MedGen C0027672, MeSH D009386, MONDO:0015356.

Submission:

Ambry Genetics
Classification: Uncertain significance for Hereditary cancer-predisposing syndrome. Last evaluated: 2022-10-18. Review status: criteria provided, single submitter. Criteria: Ambry Variant Classification Scheme 2023. Collection method: clinical testing. Allele origin: germline.
Comment: The p.V1035L variant (also known as c.3103G>C), located in coding exon 18 of the PTCH1 gene, results from a G to C substitution at nucleotide position 3103. The valine at codon 1035 is replaced by leucine, an amino acid with highly similar properties. This amino acid position is highly conserved in available vertebrate species. In addition, this alteration is predicted to be deleterious by in silico analysis. Since supporting evidence is limited at this time, the clinical significance of this alteration remains unclear.